The following is an entry in ClinVar:

ClinVar aggregate classification (germline): Uncertain significance (1 of 4 stars; one submission).

Conditions:
Glycogen storage disease type III (GSD3). Also called: FORBES DISEASE; Cori disease. Identifiers: Orphanet 366, MedGen C0017922, MONDO:0009291, OMIM 232400.

Submission:

Labcorp Genetics (formerly Invitae), Labcorp
Classification: Uncertain significance for Glycogen storage disease type III. Last evaluated: 2016-11-12. Review status: criteria provided, single submitter. Criteria: Invitae Variant Classification Sherloc (09022015). Collection method: clinical testing. Allele origin: germline.
Comment: This sequence change replaces threonine with lysine at codon 355 of the AGL protein (p.Thr355Lys). The threonine residue is weakly conserved and there is a moderate physicochemical difference between threonine and lysine. This variant is not present in population databases (ExAC no frequency) and has not been reported in the literature in individuals with a AGL-related disease. Algorithms developed to predict the effect of missense changes on protein structure and function (SIFT, PolyPhen-2, Align-GVGD) all suggest that this variant is likely to be tolerated, but these predictions have not been confirmed by published functional studies. In summary, this variant is a novel missense change that is not predicted to affect protein function. There is no indication that it causes disease, but the available evidence is currently insufficient to prove that conclusively. Therefore, it has been classified as a Variant of Uncertain Significance.

NM_000642.3(AGL):c.1064C>A (p.Thr355Lys)

Gene: AGL (amylo-alpha-1,6-glucosidase and 4-alpha-glucanotransferase; plus strand). Cytogenetic location: 1p21.2.
Variant type: single nucleotide variant.
Coding change: c.1064C>A on transcript NM_000642.3 (MANE Select); coding-DNA position 1064, C replaced by A.
Protein change: p.Thr355Lys; replaces threonine 355 with lysine.
Molecular consequence: missense variant.
Genome position (GRCh38, 1-based): chr1:99,874,792, C>A. VCF-style: chr1-99874792-C-A. GRCh37 (hg19) VCF-style: chr1-100340348-C-A.
Other names: c.1064C>A, p.Thr355Lys (NM_000028.3, NM_000643.3, NM_000644.3 and 3 more transcripts); c.1016C>A, p.Thr339Lys (NM_000646.3); c.860C>A, p.Thr287Lys (NM_001425328.1, NM_001425329.1); c.686C>A, p.Thr229Lys (NM_001425332.1); short protein forms T355K, T339K, T229K, T287K.
Identifiers: ClinVar variation 456448 (VCV000456448.9), dbSNP rs557516658, ClinGen allele CA341343605.
Genomic context (GRCh38, chr1:99,874,792, plus strand): 5'-TTATTCAAGATCCTGAATACAGACGGTTTGGCTGTACTGTAGATATGAACATTGCACTAA[C>A]GACTTTCATACCACATGAGTATGTAATGTGTTTTTTTCTGTGAAATAATAATATTACTTA-3'
Protein context (NP_000633.2, residues 345-365): GCTVDMNIAL[Thr355Lys]TFIPHDKGPA